The following is an entry in ClinVar:

NM_000059.4(BRCA2):c.1312G>T (p.Asp438Tyr)

Gene: BRCA2 (BRCA2 DNA repair associated; plus strand). Cytogenetic location: 13q13.1.
Variant type: single nucleotide variant.
Coding change: c.1312G>T on transcript NM_000059.4 (MANE Select); coding-DNA position 1312, G replaced by T.
Protein change: p.Asp438Tyr; replaces aspartic acid 438 with tyrosine.
Molecular consequence: missense variant.
Genome position (GRCh38, 1-based): chr13:32,332,790, G>T. VCF-style: chr13-32332790-G-T. GRCh37 (hg19) VCF-style: chr13-32906927-G-T.
Other names: short protein forms D438Y.
Identifiers: ClinVar variation 569795 (VCV000569795.23), dbSNP rs765436962, ClinGen allele CA6940506.

ClinVar aggregate classification (germline): Conflicting classifications of pathogenicity. Review status: criteria provided, conflicting classifications (1 of 4 stars). 8 submissions from 8 submitters: Uncertain significance (7); Likely benign (1). Last evaluated 2025-12-16.

Conditions:
Hereditary cancer-predisposing syndrome. Also called: Tumor predisposition; Hereditary neoplastic syndrome; Neoplastic Syndromes, Hereditary; Hereditary Cancer Syndrome. Identifiers: Orphanet 140162, MedGen C0027672, MeSH D009386, MONDO:0015356.
Hereditary breast ovarian cancer syndrome. Also called: Hereditary breast and ovarian cancer syndrome; Hereditary breast and/or ovarian cancer syndrome; Hereditary breast and ovarian cancer; Hereditary breast and ovarian cancer syndrome (HBOC); Breast and ovarian cancer; BRCA1- and BRCA2-Associated Hereditary Breast and Ovarian Cancer. Identifiers: Orphanet 145, MedGen C0677776, MeSH D061325, MONDO:0003582. Disease mechanism: loss of function.
Fanconi anemia complementation group D1. Also called: BRCA2-Related Fanconi Anemia. Identifiers: Orphanet 319462, MedGen C1838457, MONDO:0011584, OMIM 605724.
Familial cancer of breast. Also called: Hereditary breast cancer; hereditary breast carcinoma; BREAST CANCER, FAMILIAL. Identifiers: Orphanet 227535, MedGen C0346153, MONDO:0016419, OMIM 114480. Disease mechanism: loss of function.
Breast-ovarian cancer, familial, susceptibility to, 2 (BROVCA2). Also called: BRCA2 Hereditary Breast and Ovarian Cancer. Identifiers: Orphanet 145, MedGen C2675520, MONDO:0012933, OMIM 612555. Disease mechanism: loss of function.
Wilms tumor 1 (WT1). Also called: Wilms tumor, somatic. Identifiers: Orphanet 654, MedGen CN033288, MONDO:0008679, OMIM 194070.
Pancreatic cancer, susceptibility to, 2. Identifiers: Orphanet 1333, MedGen C3150546, MONDO:0013235, OMIM 613347.
Glioma susceptibility 3 (GLM3). Also called: Glioblastoma 3. Identifiers: Orphanet 182067, Orphanet 360, MedGen C2751641, MONDO:0013093, OMIM 613029.
Medulloblastoma (MDB). Also called: MEDULLOBLASTOMA PREDISPOSITION SYNDROME; Medulloblastoma, somatic. Identifiers: Orphanet 616, MedGen C0025149, MeSH D008527, MONDO:0007959, OMIM 155255, HP:0002885.
Familial prostate cancer. Also called: Hereditary Prostate Cancer. Identifiers: MedGen C2931456, MONDO:0700275, OMIM 176807.

Allele frequency attached by ClinVar (database versions not stated): ExAC 0.00001; gnomAD exomes 0.00002.
gnomAD v4.1: 7 of 1,607,568 alleles (0.00044%); highest among the groups gnomAD compares: Admixed American, 0.0086%; no homozygotes.

Submissions (8):

Color Diagnostics, LLC DBA Color Health
Classification: Uncertain significance for Hereditary cancer-predisposing syndrome. Last evaluated: 2025-12-16. Review status: criteria provided, single submitter. Criteria: ACMG Guidelines, 2015. Collection method: clinical testing. Allele origin: germline.
Comment: This missense variant replaces aspartic acid with tyrosine at codon 438 of the BRCA2 protein. Computational prediction suggests that this variant may not impact protein structure and function. To our knowledge, functional studies have not been reported for this variant. This variant has been reported in an individual affected with breast cancer (PMID: 34196900). This variant has been identified in 7/1607568 chromosomes in the general population by the Genome Aggregation Database (gnomAD). The available evidence is insufficient to determine the role of this variant in disease conclusively. Therefore, this variant is classified as a Variant of Uncertain Significance.

Ambry Genetics
Classification: Uncertain significance for Hereditary cancer-predisposing syndrome. Last evaluated: 2024-11-25. Review status: criteria provided, single submitter. Criteria: Ambry Variant Classification Scheme 2023. Collection method: clinical testing. Allele origin: germline.
Comment: The p.D438Y variant (also known as c.1312G>T), located in coding exon 9 of the BRCA2 gene, results from a G to T substitution at nucleotide position 1312. The aspartic acid at codon 438 is replaced by tyrosine, an amino acid with highly dissimilar properties. This amino acid position is poorly conserved in available vertebrate species. In addition, this alteration is predicted to be tolerated by in silico analysis. Based on the available evidence, the clinical significance of this variant remains unclear.

Women's Health and Genetics/Laboratory Corporation of America, LabCorp
Classification: Uncertain significance. Last evaluated: 2024-10-08. Review status: criteria provided, single submitter. Criteria: LabCorp Variant Classification Summary - May 2015. Collection method: clinical testing. Allele origin: germline.
Comment: Variant summary: BRCA2 c.1312G>T (p.Asp438Tyr) results in a non-conservative amino acid change in the encoded protein sequence. Four of five in-silico tools predict a benign effect of the variant on protein function. The variant allele was found at a frequency of 1.6e-05 in 243182 control chromosomes. The available data on variant occurrences in the general population are insufficient to allow any conclusion about variant significance. To our knowledge, no occurrence of c.1312G>T in individuals affected with Hereditary Breast And Ovarian Cancer Syndrome and no experimental evidence demonstrating its impact on protein function have been reported. ClinVar contains an entry for this variant (Variation ID: 569795). Based on the evidence outlined above, the variant was classified as uncertain significance.

Labcorp Genetics (formerly Invitae), Labcorp
Classification: Uncertain significance for Hereditary breast ovarian cancer syndrome. Last evaluated: 2024-08-29. Review status: criteria provided, single submitter. Criteria: Invitae Variant Classification Sherloc (09022015). Collection method: clinical testing. Allele origin: germline.
Comment: This sequence change replaces aspartic acid, which is acidic and polar, with tyrosine, which is neutral and polar, at codon 438 of the BRCA2 protein (p.Asp438Tyr). This variant is present in population databases (rs765436962, gnomAD 0.006%). This missense change has been observed in individual(s) with breast cancer (PMID: 34196900). ClinVar contains an entry for this variant (Variation ID: 569795). Invitae Evidence Modeling of protein sequence and biophysical properties (such as structural, functional, and spatial information, amino acid conservation, physicochemical variation, residue mobility, and thermodynamic stability) indicates that this missense variant is not expected to disrupt BRCA2 protein function with a negative predictive value of 95%. In summary, the available evidence is currently insufficient to determine the role of this variant in disease. Therefore, it has been classified as a Variant of Uncertain Significance.

Fulgent Genetics
Classification: Uncertain significance for Familial cancer of breast; Medulloblastoma; Familial prostate cancer; Wilms tumor 1; Fanconi anemia complementation group D1; Breast-ovarian cancer, familial, susceptibility to, 2; Glioma susceptibility 3; Pancreatic cancer, susceptibility to, 2. Last evaluated: 2024-03-17. Review status: criteria provided, single submitter. Criteria: ACMG Guidelines, 2015. Collection method: clinical testing. Allele origin: germline.

All of Us Research Program, National Institutes of Health
Classification: Uncertain significance for Breast-ovarian cancer, familial, susceptibility to, 2. Last evaluated: 2023-08-15. Review status: criteria provided, single submitter. Criteria: ACMG Guidelines, 2015. Collection method: clinical testing. Allele origin: germline. Inheritance: Autosomal dominant inheritance. Observed: 1 variant allele, 1 heterozygote.
Comment: This missense variant replaces aspartic acid with tyrosine at codon 438 of the BRCA2 protein. Computational prediction suggests that this variant may not impact protein structure and function (internally defined REVEL score threshold <= 0.5, PMID: 27666373). To our knowledge, functional studies have not been reported for this variant. This variant has not been reported in individuals affected with BRCA2-related disorders in the literature. This variant has been identified in 4/243182 chromosomes in the general population by the Genome Aggregation Database (gnomAD). The available evidence is insufficient to determine the role of this variant in disease conclusively. Therefore, this variant is classified as a Variant of Uncertain Significance.

This study involves interpretation of variants in research participants for the purpose of population health screening. Participant phenotype was not available at the time of variant classification. Additional details can be found in publication PMID: 35346344, PMCID: PMC8962531

University of Washington Department of Laboratory Medicine, University of Washington
Classification: Likely benign for Hereditary cancer-predisposing syndrome. Last evaluated: 2023-03-23. Review status: criteria provided, single submitter. Criteria: Dines et al. (Genet Med. 2020). Collection method: curation. Allele origin: germline.
Comment: Missense variant in a coldspot region where missense variants are very unlikely to be pathogenic (PMID:31911673).

BRCA2 exon 10 coldspot. Reclassification based on statistical prior probability.

Quest Diagnostics Nichols Institute San Juan Capistrano
Classification: Uncertain significance. Last evaluated: 2023-03-02. Review status: criteria provided, single submitter. Criteria: Quest Diagnostics criteria. Collection method: clinical testing. Allele origin: unknown.
Comment: The variant has not been reported in the published literature. The frequency of this variant in the general population, 0.00012 (4/32700 chromosomes), is uninformative in assessment of its pathogenicity. Analysis of this variant using bioinformatics tools for the prediction of the effect of amino acid changes on protein structure and function yielded predictions that this variant is benign. Based on the available information, we are unable to determine the clinical significance of this variant.

Literature cited by the submitters: PubMed 34196900 (cited by Color Diagnostics, LLC DBA Color Health and Labcorp Genetics (formerly Invitae), Labcorp).